The following is an entry in ClinVar:

NM_001035.3(RYR2):c.7874G>C (p.Gly2625Ala)

Gene: RYR2 (ryanodine receptor 2; plus strand). Cytogenetic location: 1q43.
Variant type: single nucleotide variant.
Coding change: c.7874G>C on transcript NM_001035.3 (MANE Select); coding-DNA position 7874, G replaced by C.
Protein change: p.Gly2625Ala; replaces glycine 2625 with alanine.
Molecular consequence: missense variant.
Genome position (GRCh38, 1-based): chr1:237,654,323, G>C. VCF-style: chr1-237654323-G-C. GRCh37 (hg19) VCF-style: chr1-237817623-G-C.
Other names: c.7874G>C (NM_001035.2); short protein forms G2625A.
Identifiers: ClinVar variation 1002202 (VCV001002202.15), dbSNP rs1331814541, ClinGen allele CA345400255.

ClinVar aggregate classification (germline): Uncertain significance. Review status: criteria provided, multiple submitters, no conflicts (2 of 4 stars). 4 submissions from 4 submitters: Uncertain significance (4). Last evaluated 2024-07-20.

Conditions:
Cardiomyopathy (CMYO). Also called: Cardiomyopathies. Identifiers: Orphanet 167848, MedGen C0878544, MONDO:0004994, HP:0001638. Inheritance: Various modes of inheritance.
Cardiovascular phenotype. Identifiers: MedGen CN230736.
Catecholaminergic polymorphic ventricular tachycardia (CVPT). Also called: Catecholamine-induced polymorphic ventricular tachycardia. Identifiers: Orphanet 3286, MedGen C5574922, MONDO:0017990.
Catecholaminergic polymorphic ventricular tachycardia 1. Also called: RYR2-Related Catecholaminergic Polymorphic Ventricular Tachycardia; VENTRICULAR TACHYCARDIA, CATECHOLAMINERGIC POLYMORPHIC, 1, WITH OR WITHOUT ATRIAL DYSFUNCTION AND/OR DILATED CARDIOMYOPATHY; VENTRICULAR TACHYCARDIA, STRESS-INDUCED POLYMORPHIC 1. Identifiers: Orphanet 3286, MedGen C1631597, MONDO:0011484, OMIM 604772.

Allele frequency attached by ClinVar (database versions not stated): gnomAD exomes below 0.00001 and 0.00001.
gnomAD v4.1: 3 of 1,613,942 alleles (0.00019%); highest among the groups gnomAD compares: East Asian, 0.0022%; no homozygotes.

Submissions (4):

All of Us Research Program, National Institutes of Health
Classification: Uncertain significance for Catecholaminergic polymorphic ventricular tachycardia. Last evaluated: 2024-07-20. Review status: criteria provided, single submitter. Criteria: ACMG Guidelines, 2015. Collection method: clinical testing. Allele origin: germline. Inheritance: Autosomal dominant inheritance. Observed: 5 variant alleles, 5 heterozygotes.
Comment: This variant is located in the RYR2 protein. Computational prediction is inconclusive regarding the impact of this variant on protein structure and function (internally defined REVEL score threshold 0.5 < inconclusive < 0.7, PMID: 27666373). To our knowledge, functional studies have not been reported for this variant. This variant has not been reported in individuals affected with cardiovascular disorders in the literature. This variant has been identified in 1/249220 chromosomes in the general population by the Genome Aggregation Database (gnomAD). The available evidence is insufficient to determine the role of this variant in disease conclusively. Therefore, this variant is classified as a Variant of Uncertain Significance.

This study involves interpretation of variants in research participants for the purpose of population health screening. Participant phenotype was not available at the time of variant classification. Additional details can be found in publication PMID: 35346344, PMCID: PMC8962531

Color Diagnostics, LLC DBA Color Health
Classification: Uncertain significance for Cardiomyopathy. Last evaluated: 2024-03-06. Review status: criteria provided, single submitter. Criteria: ACMG Guidelines, 2015. Collection method: clinical testing. Allele origin: germline.
Comment: This variant is located in the RYR2 protein. Computational prediction is inconclusive regarding the impact of this variant on protein structure and function (internally defined REVEL score threshold 0.5 < inconclusive < 0.7, PMID: 27666373). To our knowledge, functional studies have not been reported for this variant. This variant has not been reported in individuals affected with cardiovascular disorders in the literature. This variant has been identified in 1/249220 chromosomes in the general population by the Genome Aggregation Database (gnomAD). The available evidence is insufficient to determine the role of this variant in disease conclusively. Therefore, this variant is classified as a Variant of Uncertain Significance.

Ambry Genetics
Classification: Uncertain significance for Cardiovascular phenotype. Last evaluated: 2022-09-30. Review status: criteria provided, single submitter. Criteria: Ambry Variant Classification Scheme 2023. Collection method: clinical testing. Allele origin: germline.
Comment: The p.G2625A variant (also known as c.7874G>C), located in coding exon 52 of the RYR2 gene, results from a G to C substitution at nucleotide position 7874. The glycine at codon 2625 is replaced by alanine, an amino acid with similar properties. This amino acid position is not well conserved in available vertebrate species. In addition, this alteration is predicted to be tolerated by in silico analysis. Since supporting evidence is limited at this time, the clinical significance of this alteration remains unclear.

Labcorp Genetics (formerly Invitae), Labcorp
Classification: Uncertain significance for Catecholaminergic polymorphic ventricular tachycardia 1. Last evaluated: 2021-08-30. Review status: criteria provided, single submitter. Criteria: Invitae Variant Classification Sherloc (09022015). Collection method: clinical testing. Allele origin: germline.
Comment: This sequence change replaces glycine with alanine at codon 2625 of the RYR2 protein (p.Gly2625Ala). The glycine residue is highly conserved and there is a small physicochemical difference between glycine and alanine. This variant is not present in population databases (ExAC no frequency). This variant has not been reported in the literature in individuals affected with RYR2-related conditions. Algorithms developed to predict the effect of missense changes on protein structure and function are either unavailable or do not agree on the potential impact of this missense change (SIFT: "Deleterious"; PolyPhen-2: "Benign"; Align-GVGD: "Class C55"). In summary, the available evidence is currently insufficient to determine the role of this variant in disease. Therefore, it has been classified as a Variant of Uncertain Significance.